The following is an entry in ClinVar:

ClinVar aggregate classification (germline): Uncertain significance (1 of 4 stars; one submission).

Submission:

Ambry Genetics
Classification: Uncertain significance. Last evaluated: 2024-05-18. Review status: criteria provided, single submitter. Criteria: Ambry Variant Classification Scheme 2023. Collection method: clinical testing. Allele origin: germline.
Comment: The p.I1510V variant (also known as c.4528A>G), located in coding exon 4 of the ALPK2 gene, results from an A to G substitution at nucleotide position 4528. The isoleucine at codon 1510 is replaced by valine, an amino acid with highly similar properties. This amino acid position is conserved. In addition, this alteration is predicted to be tolerated by in silico analysis. Based on the available evidence, the clinical significance of this variant remains unclear.

NM_052947.4(ALPK2):c.4528A>G (p.Ile1510Val)

Genes: ALPK2 (alpha kinase 2; minus strand), LOC126862764 (BRD4-independent group 4 enhancer GRCh37_chr18:56202574-56203773; plus strand). Cytogenetic location: 18q21.31.
Variant type: single nucleotide variant.
Coding change: c.4528A>G on transcript NM_052947.4 (MANE Select); coding-DNA position 4528, A replaced by G.
Protein change: p.Ile1510Val; replaces isoleucine 1510 with valine.
Molecular consequence: missense variant.
Genome position (GRCh38, 1-based): chr18:58,535,659, T>C on the plus strand (A>G on the coding strand, the complement: ALPK2 is on the minus strand). VCF-style: chr18-58535659-T-C. GRCh37 (hg19) VCF-style: chr18-56202891-T-C.
Other names: short protein forms I1510V.
Identifiers: ClinVar variation 3290400 (VCV003290400.1).